The following is an entry in ClinVar:

NM_017882.3(CLN6):c.395_396del (p.Ser132fs)

Gene: CLN6 (CLN6 transmembrane ER protein; minus strand). Cytogenetic location: 15q23.
Variant type: Microsatellite.
Coding change: c.395_396del on transcript NM_017882.3 (MANE Select); coding-DNA positions 395 to 396, 2 bases deleted (CT; older notation c.395_396delCT).
Protein change: p.Ser132fs; shifts the reading frame from serine 132.
Molecular consequence: frameshift variant.
Genome position (GRCh38, 1-based): chr15:68,211,765-68,211,766, AG deleted on the plus strand (CT on the coding strand, the reverse complement: CLN6 is on the minus strand); deleting any 2 consecutive bases within chr15:68,211,765-68,211,768 gives the same sequence; the c. name uses the placement nearest the transcript's 3' end. VCF-style (leftmost placement, unchanged base first): chr15-68211764-CAG-C. GRCh37 (hg19) VCF-style: chr15-68504102-CAG-C.
Other names: c.395_396del (NM_017882.2); short protein forms S132fs.
Identifiers: ClinVar variation 4082 (VCV000004082.21), dbSNP rs774543080, ClinGen allele CA252983.
Genomic context (GRCh38, chr15:68,211,764, plus strand): 5'-TGGGGTTCTCACGGACAGACAGGTGGTGCTGGTAGCCACTGAAGAGCAGGCGGTGGTTGA[CAG>C]AGTCACCCACCAGGTGGATGCTGGCACCCATGATGAAGATGATGATGCTCACGTACGTGA-3'

ClinVar aggregate classification (germline): Pathogenic. Review status: criteria provided, multiple submitters, no conflicts (2 of 4 stars). 10 submissions from 9 submitters: Pathogenic (9). 1 of the submissions does not count toward it. Last evaluated 2025-04-14.

Conditions:
Ceroid lipofuscinosis, neuronal, 6A. Also called: CLN6-Related Neuronal Ceroid-Lipofuscinosis; Neuronal ceroid lipofuscinosis, late infantile, variant; Neuronal ceroid lipofuscinosis, Gypsy/Indian early juvenile variant; Neuronal ceroid lipofuscinosis 6. Identifiers: Orphanet 168491, Orphanet 228363, MedGen C5551375, MONDO:0011144, OMIM 601780.
Ceroid lipofuscinosis, neuronal, 6B (Kufs type). Also called: Neuronal ceroid lipofuscinosis 4A. Identifiers: Orphanet 700477, MedGen C5561927, MONDO:0008768, OMIM 204300.
CLN6-related disorder. Also called: CLN6-related condition.
Neuronal ceroid lipofuscinosis. Also called: Neuronal Ceroid Lipofuscinoses. Identifiers: Orphanet 216, Orphanet 79263, MedGen C0027877, MONDO:0016295. Disease mechanism: loss of function.

Submissions (10):

Natera, Inc.
Classification: Pathogenic for Ceroid lipofuscinosis, neuronal, 6A. Last evaluated: 2025-04-14. Review status: criteria provided, single submitter. Criteria: Natera Variant Classification Schema (03/2026). Collection method: clinical testing. Allele origin: germline.
Comment: The c.395_396delCT variant in CLN6 is a frameshift variant predicted to shift the reading frame beginning at codon 132 and leads to a stop codon 18 codons downstream. This variant is expected to result in nonsense mediated decay, truncation, or a dysfunctional protein product. This variant is rare in the general population with a frequency below the threshold expected for the associated phenotype(s). This variant has been observed in one or more individuals affected with the associated recessive disease, as either homozygous or compound heterozygous with a second variant (PMID: 11727201, 19520283, 19135028). Additionally, this variant has been observed to segregate in affected family members (PMID: 19135028). Given the available evidence, this variant is classified as Pathogenic.

Labcorp Genetics (formerly Invitae), Labcorp
Classification: Pathogenic for Neuronal ceroid lipofuscinosis. Last evaluated: 2025-01-06. Review status: criteria provided, single submitter. Criteria: Invitae Variant Classification Sherloc (09022015). Collection method: clinical testing. Allele origin: germline.
Comment: This sequence change creates a premature translational stop signal (p.Ser132Cysfs*18) in the CLN6 gene. It is expected to result in an absent or disrupted protein product. Loss-of-function variants in CLN6 are known to be pathogenic (PMID: 19135028). This variant is present in population databases (rs774543080, gnomAD 0.002%). This premature translational stop signal has been observed in individual(s) with CLN6-related conditions (PMID: 11727201, 19135028). ClinVar contains an entry for this variant (Variation ID: 4082). For these reasons, this variant has been classified as Pathogenic.

GeneDx
Classification: Pathogenic. Last evaluated: 2024-09-10. Review status: criteria provided, single submitter. Criteria: GeneDx Variant Classification Process June 2021. Collection method: clinical testing. Allele origin: germline. Affected: yes.
Comment: Frameshift variant predicted to result in protein truncation or nonsense mediated decay in a gene for which loss of function is a known mechanism of disease; Not observed at significant frequency in large population cohorts (gnomAD); This variant is associated with the following publications: (PMID: 21990111, 11727201, 29655203, 31589614, 30755392, 35314707, 35505348, 31440721, 36435927, 19135028)

Fulgent Genetics
Classification: Pathogenic for Ceroid lipofuscinosis, neuronal, 6B (Kufs type); Ceroid lipofuscinosis, neuronal, 6A. Last evaluated: 2024-05-08. Review status: criteria provided, single submitter. Criteria: ACMG Guidelines, 2015. Collection method: clinical testing. Allele origin: germline.

Blueprint Genetics
Classification: Pathogenic for CLN6-related disorders. Last evaluated: 2023-11-14. Review status: criteria provided, single submitter. Criteria: ACMG Guidelines, 2015. Collection method: clinical testing. Allele origin: germline. Affected: yes. Observed: 3 variant alleles.

Baylor Genetics
Classification: Pathogenic for Ceroid lipofuscinosis, neuronal, 6A. Last evaluated: 2023-01-21. Review status: criteria provided, single submitter. Criteria: ACMG Guidelines, 2015. Collection method: clinical testing. Allele origin: unknown.

Baylor Genetics
Classification: Pathogenic for Ceroid lipofuscinosis, neuronal, 6B (Kufs type). Last evaluated: 2023-01-21. Review status: criteria provided, single submitter. Criteria: ACMG Guidelines, 2015. Collection method: clinical testing. Allele origin: unknown.

Center for Personalized Medicine, Children's Hospital Los Angeles
Classification: Pathogenic. Last evaluated: 2022-12-21. Review status: criteria provided, single submitter. Criteria: ACMG Guidelines, 2015. Collection method: clinical testing. Allele origin: unknown. Affected: yes.

Neuberg Centre For Genomic Medicine, NCGM
Classification: Pathogenic for Ceroid lipofuscinosis, neuronal, 6A. Review status: criteria provided, single submitter. Criteria: ACMG Guidelines, 2015. Collection method: clinical testing. Allele origin: germline. Inheritance: Autosomal recessive inheritance. Affected: yes.
Comment: The frameshift variant c.395_396del (p.Ser132CysfsTer18) in CLN6 gene has been reported previously in homozygous state in patients affected with lateinfantile neuronal ceroid lipofuscinosis (Wheeler et al., 2002). The p.Ser132CysfsTer18 variant is reported with the allele frequency (0.0007%) in the gnomAD Exomes and is novel (not in any individuals) in 1000 Genomes. This variant has been reported to the ClinVar database as Pathogenic. This variant causes a frameshift starting with codon Serine 132, changes this amino acid to Cysteine residue, and creates a premature Stop codon at position 18 of the new reading frame, denoted p.Ser132CysfsTer18. This variant is predicted to cause loss of normal protein function through protein truncation. Loss of function variants have been previously reported to be disease causing. For these reasons, this variant has been classified as Pathogenic.

OMIM
Classification: Pathogenic for CEROID LIPOFUSCINOSIS, NEURONAL, 6A. Last evaluated: 2002-02-01. Review status: no assertion criteria provided. Collection method: literature only. Allele origin: germline. Not counted in ClinVar's aggregate classification.

Literature cited by the submitters: PubMed 11727201 (cited by 3 submitters); PubMed 19520283 (cited by Natera, Inc.); PubMed 19135028 (cited by Natera, Inc. and Labcorp Genetics (formerly Invitae), Labcorp).